The following is an entry in ClinVar:

NM_001164508.2(NEB):c.18372dup (p.Tyr6125fs)

Gene: NEB (nebulin; minus strand). Cytogenetic location: 2q23.3.
Variant type: Duplication.
Coding change: c.18372dup on transcript NM_001164508.2 (MANE Select); coding-DNA position 18372, one base duplicated (A; older notation c.18372dupA).
Protein change: p.Tyr6125fs; shifts the reading frame from tyrosine 6125.
Molecular consequence: frameshift variant.
Genome position (GRCh38, 1-based): chr2:151,565,143, T duplicated on the plus strand (A on the coding strand, the reverse complement: NEB is on the minus strand); the first of 4 consecutive T bases (chr2:151,565,143-151,565,146); duplicating any one gives the same sequence. VCF-style (leftmost placement, unchanged base first): chr2-151565142-A-AT. GRCh37 (hg19) VCF-style: chr2-152421656-A-AT.
Other names: c.18372dup, p.Tyr6125fs (NM_001164507.2, NM_001271208.2); c.13269dup, p.Tyr4424fs (NM_004543.5); short protein forms Y4424fs, Y6125fs.
Identifiers: ClinVar variation 3584431 (VCV003584431.3).

ClinVar aggregate classification (germline): Pathogenic/Likely pathogenic. Review status: criteria provided, multiple submitters, no conflicts (2 of 4 stars). 2 submissions from 2 submitters: Pathogenic (1); Likely pathogenic (1). Last evaluated 2024-07-01.

Conditions:
Nemaline myopathy 2 (NEM2). Also called: Nemaline myopathy 2, autosomal recessive. Identifiers: MedGen C1850569, MONDO:0009725, OMIM 256030.
Arthrogryposis multiplex congenita 6. Identifiers: MedGen C5543431, MONDO:0030281, OMIM 619334.

Submissions (2):

Labcorp Genetics (formerly Invitae), Labcorp
Classification: Pathogenic for Nemaline myopathy 2. Last evaluated: 2024-07-01. Review status: criteria provided, single submitter. Criteria: Invitae Variant Classification Sherloc (09022015). Collection method: clinical testing. Allele origin: germline.
Comment: This sequence change creates a premature translational stop signal (p.Tyr6125Ilefs*2) in the NEB gene. It is expected to result in an absent or disrupted protein product. Loss-of-function variants in NEB are known to be pathogenic (PMID: 25205138). This variant is present in population databases (no rsID available, gnomAD 0.001%). This variant has not been reported in the literature in individuals affected with NEB-related conditions. For these reasons, this variant has been classified as Pathogenic.

Fulgent Genetics
Classification: Likely pathogenic for Nemaline myopathy 2; Arthrogryposis multiplex congenita 6. Last evaluated: 2024-03-18. Review status: criteria provided, single submitter. Criteria: ACMG Guidelines, 2015. Collection method: clinical testing. Allele origin: germline.

Literature cited by the submitters: PubMed 25205138 (cited by Labcorp Genetics (formerly Invitae), Labcorp).